The following is an entry in ClinVar:

ClinVar aggregate classification (germline): Uncertain significance (1 of 4 stars; one submission).

Submission:

Ambry Genetics
Classification: Uncertain significance. Last evaluated: 2023-12-24. Review status: criteria provided, single submitter. Criteria: Ambry Variant Classification Scheme 2023. Collection method: clinical testing. Allele origin: germline.
Comment: The p.Q9H variant (also known as c.27G>T), located in coding exon 2 of the RAD54L gene, results from a G to T substitution at nucleotide position 27. The glutamine at codon 9 is replaced by histidine, an amino acid with highly similar properties. This amino acid position is conserved. In addition, the in silico prediction for this alteration is inconclusive. Since supporting evidence is limited at this time, the clinical significance of this alteration remains unclear.

NM_003579.4(RAD54L):c.27G>T (p.Gln9His)

Gene: RAD54L (RAD54 like; plus strand). Cytogenetic location: 1p34.1.
Variant type: single nucleotide variant.
Coding change: c.27G>T on transcript NM_003579.4 (MANE Select); coding-DNA position 27, G replaced by T.
Protein change: p.Gln9His; replaces glutamine 9 with histidine.
Molecular consequence: missense variant. On other transcripts: 5 prime UTR variant (1).
Genome position (GRCh38, 1-based): chr1:46,248,535, G>T. VCF-style: chr1-46248535-G-T. GRCh37 (hg19) VCF-style: chr1-46714207-G-T.
Other names: c.27G>T, p.Gln9His (NM_001142548.2); c.-514G>T (NM_001370766.1); short protein forms Q9H.
Identifiers: ClinVar variation 3223435 (VCV003223435.1), dbSNP rs1659712684, ClinGen allele CA340173999.